The following is an entry in ClinVar:

ClinVar aggregate classification (germline): Uncertain significance (1 of 4 stars; one submission).

gnomAD v4.1: 1 of 1,614,170 alleles (0.000062%); highest among the groups gnomAD compares: Non-Finnish European, 0.000085%; no homozygotes.

Submission:

GeneDx
Classification: Uncertain significance. Last evaluated: 2025-03-14. Review status: criteria provided, single submitter. Criteria: GeneDx Variant Classification Process June 2021. Collection method: clinical testing. Allele origin: germline. Affected: yes.
Comment: Not observed at significant frequency in large population cohorts (gnomAD); In silico analysis supports that this missense variant has a deleterious effect on protein structure/function; Has not been previously published as pathogenic or benign to our knowledge

NM_006565.4(CTCF):c.962C>T (p.Pro321Leu)

Gene: CTCF (CCCTC-binding factor; plus strand). Cytogenetic location: 16q22.1.
Variant type: single nucleotide variant.
Coding change: c.962C>T on transcript NM_006565.4 (MANE Select); coding-DNA position 962, C replaced by T.
Protein change: p.Pro321Leu; replaces proline 321 with leucine.
Molecular consequence: missense variant. On other transcripts: 5 prime UTR variant (1).
Genome position (GRCh38, 1-based): chr16:67,616,754, C>T. VCF-style: chr16-67616754-C-T. GRCh37 (hg19) VCF-style: chr16-67650657-C-T.
Other names: c.-23C>T (NM_001191022.2); c.962C>T, p.Pro321Leu (NM_001363916.2, NM_001438968.1, NM_001438969.1); short protein forms P321L.
Identifiers: ClinVar variation 4082557 (VCV004082557.1).